The following is an entry in ClinVar:

ClinVar aggregate classification (germline): Likely benign. Review status: criteria provided, multiple submitters, no conflicts (2 of 4 stars). 2 submissions from 2 submitters: Likely benign (2). Last evaluated 2025-05-12.

Conditions:
COL18A1-related disorder. Also called: COL18A1-related disorders; COL18A1-related condition.

Allele frequency attached by ClinVar (database versions not stated): gnomAD 0.00001; TOPMed 0.00002.
gnomAD v4.1: 8 of 1,612,074 alleles (0.0005%); highest among the groups gnomAD compares: Non-Finnish European, 0.00068%; no homozygotes.

Submissions (2):

PreventionGenetics, part of Exact Sciences
Classification: Likely benign for COL18A1-related condition. Last evaluated: 2025-05-12. Review status: criteria provided, single submitter. Criteria: ACMG Guidelines, 2015. Collection method: clinical testing. Allele origin: germline.
Comment: This variant is classified as likely benign based on ACMG/AMP sequence variant interpretation guidelines (Richards et al. 2015 PMID: 25741868, with internal and published modifications).

Labcorp Genetics (formerly Invitae), Labcorp
Classification: Likely benign. Last evaluated: 2024-03-04. Review status: criteria provided, single submitter. Criteria: Invitae Variant Classification Sherloc (09022015). Collection method: clinical testing. Allele origin: germline.

NM_001379500.1(COL18A1):c.909C>G (p.Thr303=)

Gene: COL18A1 (collagen type XVIII alpha 1 chain; plus strand). Cytogenetic location: 21q22.3.
Variant type: single nucleotide variant.
Coding change: c.909C>G on transcript NM_001379500.1 (MANE Select); coding-DNA position 909, C replaced by G.
Protein change: p.Thr303=; no amino-acid change (threonine 303 retained).
Molecular consequence: synonymous variant.
Genome position (GRCh38, 1-based): chr21:45,476,461, C>G. VCF-style: chr21-45476461-C-G. GRCh37 (hg19) VCF-style: chr21-46896375-C-G.
Other names: c.1449C>G, p.Thr483= (NM_030582.4); c.2154C>G, p.Thr718= (NM_130444.3); c.1449C>G (NM_030582.3).
Identifiers: ClinVar variation 1990190 (VCV001990190.5), dbSNP rs1248911867, ClinGen allele CA512709897.